The following is an entry in ClinVar:

NM_000059.4(BRCA2):c.3352_3353del (p.Leu1118fs)

Gene: BRCA2 (BRCA2 DNA repair associated; plus strand). Cytogenetic location: 13q13.1.
Variant type: Deletion.
Coding change: c.3352_3353del on transcript NM_000059.4 (MANE Select); coding-DNA positions 3352 to 3353, 2 bases deleted (TT; older notation c.3352_3353delTT).
Protein change: p.Leu1118fs; shifts the reading frame from leucine 1118.
Molecular consequence: frameshift variant.
Genome position (GRCh38, 1-based): chr13:32,337,707-32,337,708, TT deleted. VCF-style (leftmost placement, unchanged base first): chr13-32337706-ATT-A. GRCh37 (hg19) VCF-style: chr13-32911843-ATT-A.
Other names: c.3352_3353del (NM_000059.3); short protein forms L1118fs.
Identifiers: ClinVar variation 1070587 (VCV001070587.8), dbSNP rs2137495741, ClinGen allele CA2499222129.
Genomic context (GRCh38, chr13:32,337,706, plus strand): 5'-TAATTCAAACCATAATTTAACACCTAGCCAAAAGGCAGAAATTACAGAACTTTCTACTAT[ATT>A]AGAAGAATCAGGAAGTCAGTTTGAATTTACTCAGTTTAGAAAACCAAGCTACATATTGCA-3'

ClinVar aggregate classification (germline): Pathogenic. Review status: criteria provided, multiple submitters, no conflicts (2 of 4 stars). 2 submissions from 2 submitters: Pathogenic (2). Last evaluated 2025-02-11.

Conditions:
Hereditary breast ovarian cancer syndrome. Also called: Hereditary breast and ovarian cancer syndrome (HBOC); Hereditary breast and/or ovarian cancer syndrome; Hereditary breast and ovarian cancer; BRCA1- and BRCA2-Associated Hereditary Breast and Ovarian Cancer; Hereditary breast and ovarian cancer syndrome; Breast and ovarian cancer. Identifiers: Orphanet 145, MedGen C0677776, MeSH D061325, MONDO:0003582. Disease mechanism: loss of function.

Submissions (2):

GeneDx
Classification: Pathogenic. Last evaluated: 2025-02-11. Review status: criteria provided, single submitter. Criteria: GeneDx Variant Classification Process June 2021. Collection method: clinical testing. Allele origin: germline. Affected: yes.
Comment: Frameshift variant predicted to result in protein truncation or nonsense mediated decay in a gene for which loss-of-function is a known mechanism of disease; Has not been previously published as pathogenic or benign to our knowledge; Not observed at significant frequency in large population cohorts (gnomAD); Truncating variants in this gene are considered pathogenic by a well-established clinical consortium and/or database; Also known as 3580_3581delTT

Labcorp Genetics (formerly Invitae), Labcorp
Classification: Pathogenic for Hereditary breast ovarian cancer syndrome. Last evaluated: 2021-11-10. Review status: criteria provided, single submitter. Criteria: Invitae Variant Classification Sherloc (09022015). Collection method: clinical testing. Allele origin: germline.
Comment: This variant is not present in population databases (gnomAD no frequency). For these reasons, this variant has been classified as Pathogenic. ClinVar contains an entry for this variant (Variation ID: 1070587). This variant has not been reported in the literature in individuals affected with BRCA2-related conditions. This sequence change creates a premature translational stop signal (p.Leu1118Argfs*8) in the BRCA2 gene. It is expected to result in an absent or disrupted protein product. Loss-of-function variants in BRCA2 are known to be pathogenic (PMID: 20104584).

Literature cited by the submitters: PubMed 20104584 (cited by Labcorp Genetics (formerly Invitae), Labcorp).